The following is an entry in ClinVar:

NM_005477.3(HCN4):c.2946G>A (p.Leu982=)

Gene: HCN4 (hyperpolarization activated cyclic nucleotide gated potassium channel 4; minus strand). Cytogenetic location: 15q24.1.
Variant type: single nucleotide variant.
Coding change: c.2946G>A on transcript NM_005477.3 (MANE Select); coding-DNA position 2946, G replaced by A.
Protein change: p.Leu982=; no amino-acid change (leucine 982 retained).
Molecular consequence: synonymous variant.
Genome position (GRCh38, 1-based): chr15:73,323,147, C>T on the plus strand (G>A on the coding strand, the complement: HCN4 is on the minus strand). VCF-style: chr15-73323147-C-T. GRCh37 (hg19) VCF-style: chr15-73615488-C-T.
Identifiers: ClinVar variation 385792 (VCV000385792.1), dbSNP rs1057522333, ClinGen allele CA16607136.

ClinVar aggregate classification (germline): Likely benign (1 of 4 stars; one submission).

Submission:

GeneDx
Classification: Likely benign. Last evaluated: 2016-04-25. Review status: criteria provided, single submitter. Criteria: GeneDx Variant Classification (06012015). Collection method: clinical testing. Allele origin: germline. Affected: yes.
Comment: This variant is considered likely benign or benign based on one or more of the following criteria: it is a conservative change, it occurs at a poorly conserved position in the protein, it is predicted to be benign by multiple in silico algorithms, and/or has population frequency not consistent with disease.